The following is an entry in ClinVar:

NM_001376013.1(EPB41):c.220T>C (p.Ser74Pro)

Gene: EPB41 (erythrocyte membrane protein band 4.1; plus strand). Cytogenetic location: 1p35.3.
Variant type: single nucleotide variant.
Coding change: c.220T>C on transcript NM_001376013.1 (MANE Select); coding-DNA position 220, T replaced by C.
Protein change: p.Ser74Pro; replaces serine 74 with proline.
Molecular consequence: missense variant. On other transcripts: 5 prime UTR variant (10).
Genome position (GRCh38, 1-based): chr1:28,987,657, T>C. VCF-style: chr1-28987657-T-C. GRCh37 (hg19) VCF-style: chr1-29314169-T-C.
Other names: c.220T>C, p.Ser74Pro (NM_001166005.2, NM_001166006.2, NM_001376014.1 and 8 more transcripts); c.-408T>C (NM_001166007.2, NM_001376022.1, NM_001376023.1 and 5 more transcripts); c.-488T>C (NM_004437.4, NM_203342.3); short protein forms S74P.
Identifiers: ClinVar variation 1048987 (VCV001048987.1), dbSNP rs2149521081, ClinGen allele CA339523036.

ClinVar aggregate classification (germline): Uncertain significance (0 of 4 stars; one submission).

Submission:

Department of Pathology and Laboratory Medicine, Sinai Health System
Classification: Uncertain significance. Review status: no assertion criteria provided. Collection method: clinical testing. Allele origin: unknown. Affected: yes. Study: The Canadian Open Genetics Repository (COGR).
Comment: The EPB41 p.S74P variant was not identified in the literature nor was it identified in dbSNP, ClinVar or in the following control databases: the 1000 Genomes Project, the NHLBI GO Exome Sequencing Project, or the Genome Aggregation Database (March 6, 2019, v2.1.1). The p.S74 residue is not conserved in mammals and computational analyses (PolyPhen-2, SIFT, AlignGVGD, BLOSUM, MutationTaster) provide inconsistent predictions regarding the impact to the protein; this information is not very predictive of pathogenicity. The variant occurs outside of the splicing consensus sequence and in silico or computational prediction software programs (SpliceSiteFinder, MaxEntScan, NNSPLICE, GeneSplicer) do not predict a difference in splicing. In summary, based on the above information the clinical significance of this variant cannot be determined with certainty at this time. This variant is classified as a variant of uncertain significance.